The following is an entry in ClinVar:

ClinVar aggregate classification (germline): Uncertain significance (1 of 4 stars; one submission).

Submission:

Mayo Clinic Laboratories, Mayo Clinic
Classification: Uncertain significance. Last evaluated: 2023-06-15. Review status: criteria provided, single submitter. Criteria: ACMG Guidelines, 2015. Collection method: clinical testing. Allele origin: germline. Observed: 1 variant allele.
Comment: BP4_strong

Literature cited by the submitters: PubMed 34077496.

NM_022893.4(BCL11A):c.1079T>C (p.Leu360Pro)

Gene: BCL11A (BCL11 transcription factor A; minus strand). Cytogenetic location: 2p16.1.
Variant type: single nucleotide variant.
Coding change: c.1079T>C on transcript NM_022893.4 (MANE Select); coding-DNA position 1079, T replaced by C.
Protein change: p.Leu360Pro; replaces leucine 360 with proline.
Molecular consequence: missense variant. On other transcripts: intron variant (9).
Genome position (GRCh38, 1-based): chr2:60,461,833, A>G on the plus strand (T>C on the coding strand, the complement: BCL11A is on the minus strand). VCF-style: chr2-60461833-A-G. GRCh37 (hg19) VCF-style: chr2-60688968-A-G.
Other names: p.Leu360Pro; c.977T>C, p.Leu326Pro (NM_001363864.1, NM_001365609.1, NM_001405711.1 and 2 more transcripts); c.1079T>C, p.Leu360Pro (NM_001405708.1, NM_001405709.1, NM_001405710.1 and 1 more transcripts); c.923T>C, p.Leu308Pro (NM_001405713.1, NM_001405714.1, NM_001405715.1 and 3 more transcripts); c.821T>C, p.Leu274Pro (NM_001405717.1, NM_001405718.1, NM_001405724.1); c.746T>C, p.Leu249Pro (NM_001405720.1, NM_001405721.1); c.623T>C, p.Leu208Pro (NM_001405725.1, NM_001405726.1, NM_001405727.1 and 1 more transcripts); c.630+449T>C (NM_138559.2, NM_001405732.1); and 6 more; short protein forms L208P, L249P, L274P, L308P, L326P, L360P.
Identifiers: ClinVar variation 3380815 (VCV003380815.1).